The following is an entry in ClinVar:

ClinVar aggregate classification (germline): Uncertain significance (1 of 4 stars; one submission).

Conditions:
Niemann-Pick disease, type C1. Also called: NIEMANN-PICK DISEASE, VARIANT TYPE C1; NEUROVISCERAL STORAGE DISEASE WITH VERTICAL SUPRANUCLEAR OPHTHALMOPLEGIA; NIEMANN-PICK DISEASE WITH CHOLESTEROL ESTERIFICATION BLOCK; NIEMANN-PICK DISEASE WITHOUT SPHINGOMYELINASE DEFICIENCY; NIEMANN-PICK DISEASE, CHRONIC NEURONOPATHIC FORM. Identifiers: Orphanet 646, MedGen C3179455, MONDO:0009757, OMIM 257220.

Submission:

Labcorp Genetics (formerly Invitae), Labcorp
Classification: Uncertain significance for Niemann-Pick disease, type C1. Last evaluated: 2021-10-12. Review status: criteria provided, single submitter. Criteria: Invitae Variant Classification Sherloc (09022015). Collection method: clinical testing. Allele origin: germline.
Comment: This sequence change replaces methionine with leucine at codon 1194 of the NPC1 protein (p.Met1194Leu). The methionine residue is moderately conserved and there is a small physicochemical difference between methionine and leucine. This variant is not present in population databases (ExAC no frequency). This variant has not been reported in the literature in individuals affected with NPC1-related conditions. Algorithms developed to predict the effect of missense changes on protein structure and function are either unavailable or do not agree on the potential impact of this missense change (SIFT: "Tolerated"; PolyPhen-2: "Possibly Damaging"; Align-GVGD: "Class C0"). In summary, the available evidence is currently insufficient to determine the role of this variant in disease. Therefore, it has been classified as a Variant of Uncertain Significance.

NM_000271.5(NPC1):c.3580A>C (p.Met1194Leu)

Gene: NPC1 (NPC intracellular cholesterol transporter 1; minus strand). Cytogenetic location: 18q11.2.
Variant type: single nucleotide variant.
Coding change: c.3580A>C on transcript NM_000271.5 (MANE Select); coding-DNA position 3580, A replaced by C.
Protein change: p.Met1194Leu; replaces methionine 1194 with leucine.
Molecular consequence: missense variant.
Genome position (GRCh38, 1-based): chr18:23,534,457, T>G on the plus strand (A>C on the coding strand, the complement: NPC1 is on the minus strand). VCF-style: chr18-23534457-T-G. GRCh37 (hg19) VCF-style: chr18-21114421-T-G.
Other names: short protein forms M1194L.
Identifiers: ClinVar variation 1517298 (VCV001517298.3), dbSNP rs780120393, ClinGen allele CA401790887.